The following is an entry in ClinVar:

NM_001458.5(FLNC):c.6476A>C (p.Lys2159Thr)

Genes: FLNC (filamin C; plus strand), FLNC-AS1 (FLNC antisense RNA 1; minus strand). Cytogenetic location: 7q32.1.
Variant type: single nucleotide variant.
Coding change: c.6476A>C on transcript NM_001458.5 (MANE Select); coding-DNA position 6476, A replaced by C.
Protein change: p.Lys2159Thr; replaces lysine 2159 with threonine.
Molecular consequence: missense variant.
Genome position (GRCh38, 1-based): chr7:128,853,829, A>C. VCF-style: chr7-128853829-A-C. GRCh37 (hg19) VCF-style: chr7-128493883-A-C.
Other names: c.6377A>C, p.Lys2126Thr (NM_001127487.2); short protein forms K2159T, K2126T.
Identifiers: ClinVar variation 4614200 (VCV004614200.1).

ClinVar aggregate classification (germline): Uncertain significance (1 of 4 stars; one submission).

Conditions:
Cardiovascular phenotype. Identifiers: MedGen CN230736.

Submission:

Ambry Genetics
Classification: Uncertain significance for Cardiovascular phenotype. Last evaluated: 2025-12-01. Review status: criteria provided, single submitter. Criteria: Ambry Variant Classification Scheme 2023. Collection method: clinical testing. Allele origin: germline.
Comment: The p.K2159T variant (also known as c.6476A>C), located in coding exon 39 of the FLNC gene, results from an A to C substitution at nucleotide position 6476. The lysine at codon 2159 is replaced by threonine, an amino acid with similar properties. This amino acid position is highly conserved in available vertebrate species. In addition, this alteration is predicted to be deleterious by in silico analysis. Based on the available evidence, the clinical significance of this variant remains unclear.